The following is an entry in ClinVar:

ClinVar aggregate classification (germline): Uncertain significance. Review status: criteria provided, multiple submitters, no conflicts (2 of 4 stars). 4 submissions from 4 submitters: Uncertain significance (4). Last evaluated 2024-10-22.

Conditions:
LAMA5-related disorder. Also called: LAMA5-related condition; LAMA5-Related Disorders.
Inborn genetic diseases. Identifiers: MedGen C0950123, MeSH D030342.

gnomAD v4.1: 407 of 1,608,370 alleles (0.025%); highest among the groups gnomAD compares: Middle Eastern, 0.033%; no homozygotes.

Submissions (4):

Labcorp Genetics (formerly Invitae), Labcorp
Classification: Uncertain significance. Last evaluated: 2024-10-22. Review status: criteria provided, single submitter. Criteria: Invitae Variant Classification Sherloc (09022015). Collection method: clinical testing. Allele origin: germline.
Comment: This sequence change replaces arginine, which is basic and polar, with leucine, which is neutral and non-polar, at codon 2220 of the LAMA5 protein (p.Arg2220Leu). This variant is present in population databases (rs150944918, gnomAD 0.04%). This variant has not been reported in the literature in individuals affected with LAMA5-related conditions. ClinVar contains an entry for this variant (Variation ID: 2077516). An algorithm developed to predict the effect of missense changes on protein structure and function (PolyPhen-2) suggests that this variant is likely to be tolerated. In summary, the available evidence is currently insufficient to determine the role of this variant in disease. Therefore, it has been classified as a Variant of Uncertain Significance.

PreventionGenetics, part of Exact Sciences
Classification: Uncertain significance for LAMA5-related condition. Last evaluated: 2022-12-19. Review status: criteria provided, single submitter. Criteria: ACMG Guidelines, 2015. Collection method: clinical testing. Allele origin: germline.
Comment: The LAMA5 c.6659G>T variant is predicted to result in the amino acid substitution p.Arg2220Leu. To our knowledge, this variant has not been reported in the literature. This variant is reported in 0.039% of alleles in individuals of European (Non-Finnish) descent in gnomAD. At this time, the clinical significance of this variant is uncertain due to the absence of conclusive functional and genetic evidence.

Ambry Genetics
Classification: Uncertain significance for Inborn genetic diseases. Last evaluated: 2021-07-13. Review status: criteria provided, single submitter. Criteria: Ambry Variant Classification Scheme 2023. Collection method: clinical testing. Allele origin: germline.

GeneDx
Classification: Uncertain significance. Last evaluated: 2020-12-19. Review status: criteria provided, single submitter. Criteria: GeneDx Variant Classification Process June 2021. Collection method: clinical testing. Allele origin: germline. Affected: yes.
Comment: In silico analysis supports that this missense variant has a deleterious effect on protein structure/function; Has not been previously published as pathogenic or benign to our knowledge; Variants in candidate genes are classified as variants of uncertain significance in accordance with ACMG guidelines (Richards et al., 2015)

NM_005560.6(LAMA5):c.6659G>T (p.Arg2220Leu)

Gene: LAMA5 (laminin subunit alpha 5; minus strand). Cytogenetic location: 20q13.33.
Variant type: single nucleotide variant.
Coding change: c.6659G>T on transcript NM_005560.6 (MANE Select); coding-DNA position 6659, G replaced by T.
Protein change: p.Arg2220Leu; replaces arginine 2220 with leucine.
Molecular consequence: missense variant.
Genome position (GRCh38, 1-based): chr20:62,320,659, C>A on the plus strand (G>T on the coding strand, the complement: LAMA5 is on the minus strand). VCF-style: chr20-62320659-C-A. GRCh37 (hg19) VCF-style: chr20-60895715-C-A.
Other names: c.6659G>T (NM_005560.4); short protein forms R2220L.
Identifiers: ClinVar variation 2077516 (VCV002077516.7), dbSNP rs150944918, ClinGen allele CA9941620.